The following is an entry in ClinVar:

ClinVar aggregate classification (germline): Pathogenic/Likely pathogenic. Review status: criteria provided, multiple submitters, no conflicts (2 of 4 stars). 2 submissions from 2 submitters: Pathogenic (1); Likely pathogenic (1). Last evaluated 2024-09-25.

Conditions:
Ataxia-telangiectasia syndrome (AT). Also called: AT, COMPLEMENTATION GROUP C; Ataxia-telangiectasia, complementation group D; ATAXIA-TELANGIECTASIA, COMPLEMENTATION GROUP A; ATAXIA-TELANGIECTASIA, FRESNO VARIANT; Ataxia-telangiectasia; Ataxia-telangiectasia, complementation group E. Identifiers: Orphanet 100, MedGen C0004135, MONDO:0008840, OMIM 208900.
Familial cancer of breast. Also called: hereditary breast carcinoma; BREAST CANCER, FAMILIAL; Hereditary breast cancer. Identifiers: Orphanet 227535, MedGen C0346153, MONDO:0016419, OMIM 114480. Disease mechanism: loss of function.

Submissions (2):

Institute of Medical Genetics and Applied Genomics, University Hospital Tübingen
Classification: Likely pathogenic for Ataxia-telangiectasia syndrome. Last evaluated: 2024-09-25. Review status: criteria provided, single submitter. Criteria: ACMG Guidelines, 2015. Collection method: clinical testing. Allele origin: germline. Inheritance: Autosomal recessive inheritance. Affected: yes.

Myriad Genetics, Inc.
Classification: Pathogenic for Familial cancer of breast. Last evaluated: 2024-02-01. Review status: criteria provided, single submitter. Criteria: Myriad Autosomal Dominant, Autosomal Recessive and X-Linked Classification Criteria (2023). Collection method: clinical testing. Allele origin: unknown.
Comment: This variant is considered pathogenic. This variant creates a termination codon and is predicted to result in premature protein truncation.

NM_000051.4(ATM):c.8265del (p.Thr2754_Tyr2755insTer)

Genes: ATM (ATM serine/threonine kinase; plus strand), C11orf65 (chromosome 11 open reading frame 65; minus strand). Cytogenetic location: 11q22.3.
Variant type: Deletion.
Coding change: c.8265del on transcript NM_000051.4 (MANE Select); coding-DNA position 8265, one base deleted (T; older notation c.8265delT).
Protein change: p.Thr2754_Tyr2755insTer.
Molecular consequence: nonsense. On other transcripts: intron variant (2).
Genome position (GRCh38, 1-based): chr11:108,335,958, T deleted. VCF-style (leftmost placement, unchanged base first): chr11-108335957-AT-A. GRCh37 (hg19) VCF-style: chr11-108206684-AT-A.
Other names: c.8265del, p.Thr2754_Tyr2755insTer (NM_001351834.2); c.641-26887del (NM_001330368.2); c.695-666del (NM_001351110.2).
Identifiers: ClinVar variation 3148553 (VCV003148553.2), dbSNP rs2547349170, ClinGen allele CA2825001969.